The following is an entry in ClinVar:

NM_032551.5(KISS1R):c.1123G>A (p.Ala375Thr)

Gene: KISS1R (KISS1 receptor; plus strand). Cytogenetic location: 19p13.3.
Variant type: single nucleotide variant.
Coding change: c.1123G>A on transcript NM_032551.5 (MANE Select); coding-DNA position 1123, G replaced by A.
Protein change: p.Ala375Thr; replaces alanine 375 with threonine.
Molecular consequence: missense variant.
Genome position (GRCh38, 1-based): chr19:920,674, G>A. VCF-style: chr19-920674-G-A. GRCh37 (hg19) VCF-style: chr19-920674-G-A.
Other names: short protein forms A375T.
Identifiers: ClinVar variation 1477624 (VCV001477624.6), dbSNP rs2037114406, ClinGen allele CA402918198.
Genomic context (GRCh38, chr19:920,674, plus strand): 5'-GACCCCGCAGCCCCACACGCGGAGCTGCTCCGCCTGGGGTCCCACCCGGCCCCCGCCAGG[G>A]CGCAGAAGCCAGGGAGCAGTGGGCTGGCCGCGCGCGGGCTGTGCGTCCTGGGGGAGGACA-3'
Protein context (NP_115940.2, residues 365-385): RLGSHPAPAR[Ala375Thr]QKPGSSGLAA

ClinVar aggregate classification (germline): Uncertain significance (1 of 4 stars; one submission).

Submission:

Labcorp Genetics (formerly Invitae), Labcorp
Classification: Uncertain significance. Last evaluated: 2022-08-16. Review status: criteria provided, single submitter. Criteria: Invitae Variant Classification Sherloc (09022015). Collection method: clinical testing. Allele origin: germline.
Comment: In summary, the available evidence is currently insufficient to determine the role of this variant in disease. Therefore, it has been classified as a Variant of Uncertain Significance. This variant is not present in population databases (gnomAD no frequency). This variant has not been reported in the literature in individuals affected with KISS1R-related conditions. ClinVar contains an entry for this variant (Variation ID: 1477624). Algorithms developed to predict the effect of missense changes on protein structure and function output the following: SIFT: "Tolerated"; PolyPhen-2: "Benign"; Align-GVGD: "Class C0". The threonine amino acid residue is found in multiple mammalian species, which suggests that this missense change does not adversely affect protein function. This sequence change replaces alanine, which is neutral and non-polar, with threonine, which is neutral and polar, at codon 375 of the KISS1R protein (p.Ala375Thr).